The following is an entry in ClinVar:

NM_001166108.2(PALLD):c.1965-13014C>G

Gene: PALLD (palladin, cytoskeletal associated protein; plus strand). Cytogenetic location: 4q32.3.
Variant type: single nucleotide variant.
Coding change: c.1965-13014C>G on transcript NM_001166108.2 (MANE Select); 13014 bases into the intron before coding-DNA position 1965, C replaced by G.
Molecular consequence: intron variant. On other transcripts: missense variant (1).
Genome position (GRCh38, 1-based): chr4:168,877,908, C>G. VCF-style: chr4-168877908-C-G. GRCh37 (hg19) VCF-style: chr4-169799059-C-G.
Other names: c.17C>G, p.Ser6Cys (NM_001166110.2); c.1965-13014C>G (NM_016081.4); c.819-13014C>G (NM_001166109.2); c.-157-13014C>G (NM_001367570.1, NM_001367568.1, NM_001367567.1 and 1 more transcripts); short protein forms S6C.
Identifiers: ClinVar variation 4861543 (VCV004861543.1).

ClinVar aggregate classification (germline): Uncertain significance (1 of 4 stars; one submission).

gnomAD v4.1: 1 of 1,480,038 alleles (0.000068%); no homozygotes.

Submission:

Ambry Genetics
Classification: Uncertain significance. Last evaluated: 2026-04-25. Review status: criteria provided, single submitter. Criteria: Ambry Variant Classification Scheme 2023. Collection method: clinical testing. Allele origin: germline.
Comment: The p.S6C variant (also known as c.17C>G), located in coding exon 1 of the PALLD gene, results from a C to G substitution at nucleotide position 17. The serine at codon 6 is replaced by cysteine, an amino acid with dissimilar properties. This amino acid position is conserved. In addition, this alteration is predicted to be tolerated by in silico analysis. Based on the available evidence, the clinical significance of this variant remains unclear.